The following is an entry in ClinVar:

ClinVar aggregate classification (germline): Uncertain significance. Review status: criteria provided, multiple submitters, no conflicts (2 of 4 stars). 2 submissions from 2 submitters: Uncertain significance (2). Last evaluated 2025-08-17.

Conditions:
Neuropathy, hereditary sensory and autonomic, type 2A (HSAN2A). Also called: ACROOSTEOLYSIS, GIACCAI TYPE; ACROOSTEOLYSIS, NEUROGENIC; MORVAN DISEASE; NEUROPATHY, CONGENITAL SENSORY; NEUROPATHY, HEREDITARY SENSORY RADICULAR, AUTOSOMAL RECESSIVE; NEUROPATHY, HEREDITARY SENSORY, TYPE IIA. Identifiers: Orphanet 970, MedGen C2752089, MONDO:0024309, OMIM 201300.
Pseudohypoaldosteronism type 2C (PHA2C). Also called: Pseudohypoaldosteronism Type IIC. Identifiers: Orphanet 757, Orphanet 88940, MedGen C1840391, MONDO:0013778, OMIM 614492.

Allele frequency attached by ClinVar (database versions not stated): gnomAD 0.00007; ESP Exome Variant Server 0.00008.
gnomAD v4.1: 13 of 1,614,074 alleles (0.00081%); highest among the groups gnomAD compares: African/African-American, 0.017%; no homozygotes.

Submissions (2):

Labcorp Genetics (formerly Invitae), Labcorp
Classification: Uncertain significance for Neuropathy, hereditary sensory and autonomic, type 2A; Pseudohypoaldosteronism type 2C. Last evaluated: 2025-08-17. Review status: criteria provided, single submitter. Criteria: Invitae Variant Classification Sherloc (09022015). Collection method: clinical testing. Allele origin: germline.
Comment: This sequence change replaces proline, which is neutral and non-polar, with threonine, which is neutral and polar, at codon 2464 of the WNK1 protein (p.Pro2464Thr). This variant is present in population databases (rs145690082, gnomAD 0.01%). This variant has not been reported in the literature in individuals affected with WNK1-related conditions. ClinVar contains an entry for this variant (Variation ID: 2143713). Invitae Evidence Modeling of protein sequence and biophysical properties (such as structural, functional, and spatial information, amino acid conservation, physicochemical variation, residue mobility, and thermodynamic stability) indicates that this missense variant is not expected to disrupt WNK1 protein function with a negative predictive value of 95%. In summary, the available evidence is currently insufficient to determine the role of this variant in disease. Therefore, it has been classified as a Variant of Uncertain Significance.

Fulgent Genetics
Classification: Uncertain significance for Neuropathy, hereditary sensory and autonomic, type 2A; Pseudohypoaldosteronism type 2C. Last evaluated: 2023-12-28. Review status: criteria provided, single submitter. Criteria: ACMG Guidelines, 2015. Collection method: clinical testing. Allele origin: germline.

NM_018979.4(WNK1):c.6634C>A (p.Pro2212Thr)

Gene: WNK1 (WNK lysine deficient protein kinase 1; plus strand). Cytogenetic location: 12p13.33.
Variant type: single nucleotide variant.
Coding change: c.6634C>A on transcript NM_018979.4 (MANE Select); coding-DNA position 6634, C replaced by A.
Protein change: p.Pro2212Thr; replaces proline 2212 with threonine.
Molecular consequence: missense variant.
Genome position (GRCh38, 1-based): chr12:900,661, C>A. VCF-style: chr12-900661-C-A. GRCh37 (hg19) VCF-style: chr12-1009827-C-A.
Other names: c.7414C>A, p.Pro2472Thr (NM_001184985.2); c.5890C>A, p.Pro1964Thr (NM_014823.3); c.7390C>A, p.Pro2464Thr (NM_213655.5); short protein forms P1964T, P2464T, P2472T, P2212T.
Identifiers: ClinVar variation 2143713 (VCV002143713.5), dbSNP rs145690082, ClinGen allele CA231490290.